The following is an entry in ClinVar:

NM_000204.5(CFI):c.884-147T>A

Gene: CFI (complement factor I; minus strand). Cytogenetic location: 4q25.
Variant type: single nucleotide variant.
Coding change: c.884-147T>A on transcript NM_000204.5 (MANE Select); 147 bases into the intron before coding-DNA position 884, T replaced by A.
Molecular consequence: intron variant.
Genome position (GRCh38, 1-based): chr4:109,757,930, A>T on the plus strand (T>A on the coding strand, the complement: CFI is on the minus strand). VCF-style: chr4-109757930-A-T. GRCh37 (hg19) VCF-style: chr4-110679086-A-T.
Other names: c.883+2340T>A (NM_001375282.1, NM_001375280.1, NM_001375283.1 and 1 more transcripts); c.884-147T>A (NM_001375281.1, NM_001375279.1); c.907+6T>A (NM_001375278.1, NM_001318057.2); c.275-147T>A (NM_001375284.1).
Identifiers: ClinVar variation 3048766 (VCV003048766.3), dbSNP rs147079201, ClinGen allele CA3042128.

ClinVar aggregate classification (germline): Likely benign. Review status: criteria provided, single submitter (1 of 4 stars). 2 submissions from 2 submitters: Likely benign (1). 1 of the submissions does not count toward it. Last evaluated 2024-09-04.

Conditions:
CFI-related disorder. Also called: CFI-related condition; CFI-related disorders. Identifiers: MedGen CN239325.

Allele frequency attached by ClinVar (database versions not stated): gnomAD exomes 0.00005; ExAC 0.00023; gnomAD 0.00057; TOPMed 0.00059; 1000 Genomes Project 30x 0.00172; 1000 Genomes Project 0.00200.
gnomAD v4.1: 151 of 1,452,620 alleles (0.01%); highest among the groups gnomAD compares: African/African-American, 0.19%; no homozygotes.

Submissions (2):

Blueprint Genetics
Classification: Likely benign. Last evaluated: 2024-09-04. Review status: criteria provided, single submitter. Criteria: ACMG Guidelines, 2015. Collection method: clinical testing. Allele origin: germline.

PreventionGenetics, part of Exact Sciences
Classification: Likely benign for CFI-related condition. Last evaluated: 2019-12-05. Review status: no assertion criteria provided. Collection method: clinical testing. Allele origin: germline. Not counted in ClinVar's aggregate classification.
Comment: This variant is classified as likely benign based on ACMG/AMP sequence variant interpretation guidelines (Richards et al. 2015 PMID: 25741868, with internal and published modifications).